The following is an entry in ClinVar:

ClinVar aggregate classification (germline): Likely pathogenic (1 of 4 stars; one submission).

Conditions:
Crigler-Najjar syndrome type 1. Also called: HYPERBILIRUBINEMIA, CRIGLER-NAJJAR TYPE I. Identifiers: Orphanet 79234, MedGen C0010324, MONDO:0021020, OMIM 218800.
BILIRUBIN, SERUM LEVEL OF, QUANTITATIVE TRAIT LOCUS 1 (BILIQTL1). Identifiers: MedGen C1866173, OMIM 601816.
Crigler-Najjar syndrome, type II. Also called: HYPERBILIRUBINEMIA, CRIGLER-NAJJAR TYPE II; Crigler Najjar syndrome, type 2; Mutation in the UDP-glucuronosyl-transferase gene. Identifiers: Orphanet 205, Orphanet 79235, MedGen C2931132, MONDO:0011725, OMIM 606785.
Gilbert syndrome. Also called: Gilbert Disease; HYPERBILIRUBINEMIA, GILBERT TYPE; Gilbert's syndrome; HYPERBILIRUBINEMIA I; HYPERBILIRUBINEMIA, ARIAS TYPE. Identifiers: MedGen C0017551, MONDO:0007745, OMIM 143500.
Lucey-Driscoll syndrome (HBLRTFN). Also called: Transient familial neonatal hyperbilirubinemia. Identifiers: Orphanet 2312, MedGen C0270210, MONDO:0009383, OMIM 237900.

Submission:

Juno Genomics, Hangzhou Juno Genomics, Inc
Classification: Likely pathogenic for BILIRUBIN, SERUM LEVEL OF, QUANTITATIVE TRAIT LOCUS 1; Gilbert syndrome; Crigler-Najjar syndrome type 1; Crigler-Najjar syndrome, type II; Lucey-Driscoll syndrome. Review status: criteria provided, single submitter. Criteria: ACMG Guidelines, 2015. Collection method: clinical testing. Allele origin: germline.
Comment: Null variant in a gene where loss of function (LOF) is a known mechanism of disease.;Absent from controls (or at extremely low frequency if recessive) in Genome Aggregation Database.

NM_000463.3(UGT1A1):c.1102del (p.Ala368fs)

Genes: UGT1A (UDP glucuronosyltransferase family 1 member A complex locus; plus strand), UGT1A1 (UDP glucuronosyltransferase family 1 member A1; plus strand), UGT1A10 (UDP glucuronosyltransferase family 1 member A10; plus strand), UGT1A3 (UDP glucuronosyltransferase family 1 member A3; plus strand), UGT1A4 (UDP glucuronosyltransferase family 1 member A4; plus strand) and 5 more. Cytogenetic location: 2q37.1.
Variant type: Deletion.
Coding change: c.1102del on transcript NM_000463.3 (MANE Select); coding-DNA position 1102, one base deleted (G; older notation c.1102delG).
Protein change: p.Ala368fs; shifts the reading frame from alanine 368.
Molecular consequence: frameshift variant.
Genome position (GRCh38, 1-based): chr2:233,768,237, G deleted. VCF-style (leftmost placement, unchanged base first): chr2-233768236-TG-T. GRCh37 (hg19) VCF-style: chr2-234676882-TG-T.
Other names: c.1099del, p.Ala367fs (NM_001072.4); c.298del, p.Ala100fs (NM_205862.3); c.1105del, p.Ala369fs (NM_019078.2, NM_007120.3, NM_019093.4); c.1093del, p.Ala365fs (NM_021027.3, NM_019075.4, NM_019076.5 and 1 more transcripts); short protein forms A100fs, A365fs, A367fs, A368fs, A369fs.
Identifiers: ClinVar variation 5006252 (VCV005006252.2).
Genomic context (GRCh38, chr2:233,768,236, plus strand): 5'-CTCAGAGATGTAACTGCTGACATCCTCCCTATTTTGCATCTCAGGTCACCCGATGACCCG[TG>T]CCTTTATCACCCATGCTGGTTCCCATGGTGTTTATGAAAGCATATGCAATGGCGTTCCCA-3'